The following is an entry in ClinVar:

ClinVar aggregate classification (germline): Uncertain significance (1 of 4 stars; one submission).

Conditions:
Aicardi-Goutieres syndrome 6 (AGS6). Identifiers: Orphanet 51, MedGen C3539013, MONDO:0014007, OMIM 615010.
Symmetrical dyschromatosis of extremities (DSH). Also called: DYSCHROMATOSIS SYMMETRICA HEREDITARIA 1; RETICULATE ACROPIGMENTATION OF DOHI; SYMMETRIC DYSCHROMATOSIS OF THE EXTREMITIES; Dyschromatosis symmetrica hereditaria. Identifiers: Orphanet 41, MedGen C0406775, MONDO:0007483, OMIM 127400.

gnomAD v4.1: 2 of 1,604,064 alleles (0.00012%); highest among the groups gnomAD compares: Non-Finnish European, 0.00017%; no homozygotes.

Submission:

Labcorp Genetics (formerly Invitae), Labcorp
Classification: Uncertain significance for Aicardi-Goutieres syndrome 6; Symmetrical dyschromatosis of extremities. Last evaluated: 2025-11-08. Review status: criteria provided, single submitter. Criteria: Invitae Variant Classification Sherloc (09022015). Collection method: clinical testing. Allele origin: germline.
Comment: This sequence change replaces glycine, which is neutral and non-polar, with cysteine, which is neutral and slightly polar, at codon 92 of the ADAR protein (p.Gly92Cys). The frequency data for this variant in the population databases is considered unreliable, as metrics indicate poor data quality at this position in the gnomAD database. This variant has not been reported in the literature in individuals affected with ADAR-related conditions. An algorithm developed to predict the effect of missense changes on protein structure and function (PolyPhen-2) suggests that this variant is likely to be disruptive. Algorithms developed to predict the effect of sequence changes on RNA splicing suggest that this variant may create or strengthen a splice site. In summary, the available evidence is currently insufficient to determine the role of this variant in disease. Therefore, it has been classified as a Variant of Uncertain Significance.

NM_001111.5(ADAR):c.274G>T (p.Gly92Cys)

Gene: ADAR (adenosine deaminase RNA specific; minus strand). Cytogenetic location: 1q21.3.
Variant type: single nucleotide variant.
Coding change: c.274G>T on transcript NM_001111.5 (MANE Select); coding-DNA position 274, G replaced by T.
Protein change: p.Gly92Cys; replaces glycine 92 with cysteine.
Molecular consequence: missense variant. On other transcripts: 5 prime UTR variant (3), intron variant (3).
Genome position (GRCh38, 1-based): chr1:154,602,368, C>A on the plus strand (G>T on the coding strand, the complement: ADAR is on the minus strand). VCF-style: chr1-154602368-C-A. GRCh37 (hg19) VCF-style: chr1-154574844-C-A.
Other names: c.-612G>T (NM_001025107.3, NM_001193495.2, NM_001365048.1); c.301G>T, p.Gly101Cys (NM_001365045.1); c.274G>T, p.Gly92Cys (NM_015840.4, NM_015841.4); c.-493+17G>T (NM_001365046.1, NM_001365049.1, NM_001365047.1); short protein forms G101C, G92C.
Identifiers: ClinVar variation 4789808 (VCV004789808.1).